The following is an entry in ClinVar:

NM_003803.4(MYOM1):c.4444A>C (p.Thr1482Pro)

Gene: MYOM1 (myomesin 1; minus strand). Cytogenetic location: 18p11.31.
Variant type: single nucleotide variant.
Coding change: c.4444A>C on transcript NM_003803.4 (MANE Select); coding-DNA position 4444, A replaced by C.
Protein change: p.Thr1482Pro; replaces threonine 1482 with proline.
Molecular consequence: missense variant.
Genome position (GRCh38, 1-based): chr18:3,083,829, T>G on the plus strand (A>C on the coding strand, the complement: MYOM1 is on the minus strand). VCF-style: chr18-3083829-T-G. GRCh37 (hg19) VCF-style: chr18-3083827-T-G.
Other names: c.4156A>C, p.Thr1386Pro (NM_019856.2); short protein forms T1386P, T1482P.
Identifiers: ClinVar variation 4860682 (VCV004860682.1).

ClinVar aggregate classification (germline): Uncertain significance (1 of 4 stars; one submission).

Submission:

Ambry Genetics
Classification: Uncertain significance. Last evaluated: 2026-05-24. Review status: criteria provided, single submitter. Criteria: Ambry Variant Classification Scheme 2023. Collection method: clinical testing. Allele origin: germline.
Comment: The p.T1482P variant (also known as c.4444A>C), located in coding exon 32 of the MYOM1 gene, results from an A to C substitution at nucleotide position 4444. The threonine at codon 1482 is replaced by proline, an amino acid with highly similar properties. This amino acid position is conserved. In addition, this alteration is predicted to be tolerated by in silico analysis. Based on the available evidence, the clinical significance of this variant remains unclear.